The following is an entry in ClinVar:

ClinVar aggregate classification (germline): Uncertain significance (1 of 4 stars; one submission).

Allele frequency attached by ClinVar (database versions not stated): gnomAD exomes below 0.00001; ExAC 0.00001; TOPMed 0.00002; gnomAD 0.00003.

Submission:

Labcorp Genetics (formerly Invitae), Labcorp
Classification: Uncertain significance. Last evaluated: 2022-02-18. Review status: criteria provided, single submitter. Criteria: Invitae Variant Classification Sherloc (09022015). Collection method: clinical testing. Allele origin: germline.
Comment: This sequence change replaces lysine, which is basic and polar, with asparagine, which is neutral and polar, at codon 253 of the TYMP protein (p.Lys253Asn). This variant is present in population databases (rs766760434, gnomAD 0.006%). This variant has not been reported in the literature in individuals affected with TYMP-related conditions. Advanced modeling of protein sequence and biophysical properties (such as structural, functional, and spatial information, amino acid conservation, physicochemical variation, residue mobility, and thermodynamic stability) performed at Invitae indicates that this missense variant is not expected to disrupt TYMP protein function. In summary, the available evidence is currently insufficient to determine the role of this variant in disease. Therefore, it has been classified as a Variant of Uncertain Significance.

NM_001953.5(TYMP):c.759G>C (p.Lys253Asn)

Gene: TYMP (thymidine phosphorylase; minus strand). Cytogenetic location: 22q13.33.
Variant type: single nucleotide variant.
Coding change: c.759G>C on transcript NM_001953.5 (MANE Select); coding-DNA position 759, G replaced by C.
Protein change: p.Lys253Asn; replaces lysine 253 with asparagine.
Molecular consequence: missense variant.
Genome position (GRCh38, 1-based): chr22:50,527,171, C>G on the plus strand (G>C on the coding strand, the complement: TYMP is on the minus strand). VCF-style: chr22-50527171-C-G. GRCh37 (hg19) VCF-style: chr22-50965600-C-G.
Other names: c.759G>C, p.Lys253Asn (NM_001113755.3, NM_001113756.3, NM_001257988.1 and 1 more transcripts); short protein forms K253N.
Identifiers: ClinVar variation 1941882 (VCV001941882.2), dbSNP rs766760434, ClinGen allele CA10321581.